The following is an entry in ClinVar:

ClinVar aggregate classification (germline): Uncertain significance. Review status: criteria provided, multiple submitters, no conflicts (2 of 4 stars). 2 submissions from 2 submitters: Uncertain significance (2). Last evaluated 2025-06-24.

Conditions:
Greenberg dysplasia (GRBGD). Also called: CHONDRODYSTROPHY, HYDROPIC AND PRENATALLY LETHAL TYPE; HEM SKELETAL DYSPLASIA; MOTH-EATEN SKELETAL DYSPLASIA. Identifiers: Orphanet 1426, MedGen C2931048, MONDO:0008974, OMIM 215140.

Submissions (2):

Labcorp Genetics (formerly Invitae), Labcorp
Classification: Uncertain significance. Last evaluated: 2025-06-24. Review status: criteria provided, single submitter. Criteria: Invitae Variant Classification Sherloc (09022015). Collection method: clinical testing. Allele origin: germline.
Comment: This sequence change replaces alanine, which is neutral and non-polar, with threonine, which is neutral and polar, at codon 521 of the LBR protein (p.Ala521Thr). This variant is not present in population databases (gnomAD no frequency). This variant has not been reported in the literature in individuals affected with LBR-related conditions. ClinVar contains an entry for this variant (Variation ID: 876044). Invitae Evidence Modeling of protein sequence and biophysical properties (such as structural, functional, and spatial information, amino acid conservation, physicochemical variation, residue mobility, and thermodynamic stability) indicates that this missense variant is not expected to disrupt LBR protein function with a negative predictive value of 80%. In summary, the available evidence is currently insufficient to determine the role of this variant in disease. Therefore, it has been classified as a Variant of Uncertain Significance.

Illumina Laboratory Services, Illumina
Classification: Uncertain significance for Greenberg dysplasia. Last evaluated: 2018-01-13. Review status: criteria provided, single submitter. Criteria: ICSL Variant Classification Criteria 13 December 2019. Collection method: clinical testing. Allele origin: germline.

NM_002296.4(LBR):c.1561G>A (p.Ala521Thr)

Gene: LBR (lamin B receptor; minus strand). Cytogenetic location: 1q42.12.
Variant type: single nucleotide variant.
Coding change: c.1561G>A on transcript NM_002296.4 (MANE Select); coding-DNA position 1561, G replaced by A.
Protein change: p.Ala521Thr; replaces alanine 521 with threonine.
Molecular consequence: missense variant.
Genome position (GRCh38, 1-based): chr1:225,404,629, C>T on the plus strand (G>A on the coding strand, the complement: LBR is on the minus strand). VCF-style: chr1-225404629-C-T. GRCh37 (hg19) VCF-style: chr1-225592331-C-T.
Other names: c.1561G>A, p.Ala521Thr (NM_194442.3); short protein forms A521T.
Identifiers: ClinVar variation 876044 (VCV000876044.7), dbSNP rs372250618, ClinGen allele CA344993069.